The following is an entry in ClinVar:

ClinVar aggregate classification (germline): Uncertain significance. Review status: criteria provided, multiple submitters, no conflicts (2 of 4 stars). 2 submissions from 2 submitters: Uncertain significance (2). Last evaluated 2024-02-23.

Conditions:
Nephronophthisis. Also called: Juvenile Nephronophthisis. Identifiers: Orphanet 655, MedGen C0687120, MONDO:0019005, HP:0000090.
Meckel-Gruber syndrome. Also called: DYSENCEPHALIA SPLANCHNOCYSTICA; GRUBER SYNDROME; Dysencephalia splachnocystica. Identifiers: Orphanet 564, MedGen C0265215, MONDO:0018921.
Joubert syndrome. Also called: CEREBELLOPARENCHYMAL DISORDER IV; JOUBERT-BOLTSHAUSER SYNDROME; Familial aplasia of the vermis. Identifiers: Orphanet 475, MedGen C5979921, MONDO:0018772.

Allele frequency attached by ClinVar (database versions not stated): gnomAD 0.00001; TOPMed 0.00001; 1000 Genomes Project 30x 0.00016; 1000 Genomes Project 0.00020.
gnomAD v4.1: 2 of 1,500,780 alleles (0.00013%); highest among the groups gnomAD compares: African/African-American, 0.0028%; no homozygotes.

Submissions (2):

Labcorp Genetics (formerly Invitae), Labcorp
Classification: Uncertain significance for Joubert syndrome; Meckel-Gruber syndrome; Nephronophthisis. Last evaluated: 2024-02-23. Review status: criteria provided, single submitter. Criteria: Invitae Variant Classification Sherloc (09022015). Collection method: clinical testing. Allele origin: germline.
Comment: This sequence change replaces glutamic acid, which is acidic and polar, with glycine, which is neutral and non-polar, at codon 1666 of the CEP290 protein (p.Glu1666Gly). This variant is present in population databases (rs566018288, gnomAD 0.01%). This variant has not been reported in the literature in individuals affected with CEP290-related conditions. ClinVar contains an entry for this variant (Variation ID: 1478051). Advanced modeling of protein sequence and biophysical properties (such as structural, functional, and spatial information, amino acid conservation, physicochemical variation, residue mobility, and thermodynamic stability) performed at Invitae indicates that this missense variant is expected to disrupt CEP290 protein function with a positive predictive value of 80%. In summary, the available evidence is currently insufficient to determine the role of this variant in disease. Therefore, it has been classified as a Variant of Uncertain Significance.

GeneDx
Classification: Uncertain significance. Last evaluated: 2023-03-23. Review status: criteria provided, single submitter. Criteria: GeneDx Variant Classification Process June 2021. Collection method: clinical testing. Allele origin: germline. Affected: yes.

NM_025114.4(CEP290):c.4997A>G (p.Glu1666Gly)

Gene: CEP290 (centrosomal protein 290; minus strand). Cytogenetic location: 12q21.32.
Variant type: single nucleotide variant.
Coding change: c.4997A>G on transcript NM_025114.4 (MANE Select); coding-DNA position 4997, A replaced by G.
Protein change: p.Glu1666Gly; replaces glutamic acid 1666 with glycine.
Molecular consequence: missense variant.
Genome position (GRCh38, 1-based): chr12:88,083,046, T>C on the plus strand (A>G on the coding strand, the complement: CEP290 is on the minus strand). VCF-style: chr12-88083046-T-C. GRCh37 (hg19) VCF-style: chr12-88476823-T-C.
Other names: c.4997A>G (NM_025114.3); short protein forms E1666G.
Identifiers: ClinVar variation 1478051 (VCV001478051.8), dbSNP rs566018288, ClinGen allele CA241156542.